The following is an entry in ClinVar:

ClinVar aggregate classification (germline): Uncertain significance. Review status: criteria provided, single submitter (1 of 4 stars). 2 submissions from 2 submitters: Uncertain significance (1). 1 of the submissions does not count toward it. Last evaluated 2024-08-13.

Conditions:
Hypermethioninemia with deficiency of S-adenosylhomocysteine hydrolase. Identifiers: Orphanet 88618, MedGen C3151058, MONDO:0013404, OMIM 613752.

gnomAD v4.1: 9 of 1,614,120 alleles (0.00056%); highest among the groups gnomAD compares: South Asian, 0.0066%; no homozygotes.

Submissions (2):

Women's Health and Genetics/Laboratory Corporation of America, LabCorp
Classification: Uncertain significance. Last evaluated: 2024-08-13. Review status: criteria provided, single submitter. Criteria: LabCorp Variant Classification Summary - May 2015. Collection method: clinical testing. Allele origin: germline.
Comment: Variant summary: AHCY c.146G>A (p.Arg49His) results in a non-conservative amino acid change in the encoded protein sequence. Four of five in-silico tools predict a damaging effect of the variant on protein function. The variant allele was found at a frequency of 1.2e-05 in 250340 control chromosomes. c.146G>A has been reported in the literature in homozygous state in a mother affected with hepatocellular carcinoma and her asymptomatic son with elevated serum aminotransferase, serum levels of SAH, S-adenosylmethionine (SAM), and methionine (example: Stender_2015). These data indicate that the variant may be associated with disease. To our knowledge, no experimental evidence demonstrating an impact on protein function has been reported. The following publication has been ascertained in the context of this evaluation (PMID: 26527160). No submitters have cited clinical-significance assessments for this variant to ClinVar. Based on the evidence outlined above, the variant was classified as VUS-possibly pathogenic.

Molecular Genetics Laboratory, BC Children's and BC Women's Hospitals
Classification: Likely pathogenic for Hypermethioninemia with deficiency of S-adenosylhomocysteine hydrolase. Last evaluated: 2025-03-24. Review status: no assertion criteria provided. Criteria: ACMG Guidelines, 2015. Collection method: clinical testing. Allele origin: biparental. Affected: yes. Not counted in ClinVar's aggregate classification.

Literature cited by the submitters: PubMed 26527160 (cited by Women's Health and Genetics/Laboratory Corporation of America, LabCorp).

NM_000687.4(AHCY):c.146G>A (p.Arg49His)

Gene: AHCY (adenosylhomocysteinase; minus strand). Cytogenetic location: 20q11.22.
Variant type: single nucleotide variant.
Coding change: c.146G>A on transcript NM_000687.4 (MANE Select); coding-DNA position 146, G replaced by A.
Protein change: p.Arg49His; replaces arginine 49 with histidine.
Molecular consequence: missense variant.
Genome position (GRCh38, 1-based): chr20:34,295,468, C>T on the plus strand (G>A on the coding strand, the complement: AHCY is on the minus strand). VCF-style: chr20-34295468-C-T. GRCh37 (hg19) VCF-style: chr20-32883274-C-T.
Other names: c.62G>A, p.Arg21His (NM_001161766.2, NM_001322084.2, NM_001322085.2); c.152G>A, p.Arg51His (NM_001322086.2); c.146G>A, p.Arg49His (NM_001362750.2); short protein forms R21H, R49H, R51H.
Identifiers: ClinVar variation 3366820 (VCV003366820.2).